The following is an entry in ClinVar:

NM_001101426.4(CRPPA):c.1310T>C (p.Ile437Thr)

Gene: CRPPA (CDP-L-ribitol pyrophosphorylase A; minus strand). Cytogenetic location: 7p21.2.
Variant type: single nucleotide variant.
Coding change: c.1310T>C on transcript NM_001101426.4 (MANE Select); coding-DNA position 1310, T replaced by C.
Protein change: p.Ile437Thr; replaces isoleucine 437 with threonine.
Molecular consequence: missense variant. On other transcripts: non-coding transcript variant (1).
Genome position (GRCh38, 1-based): chr7:16,091,741, A>G on the plus strand (T>C on the coding strand, the complement: CRPPA is on the minus strand). VCF-style: chr7-16091741-A-G. GRCh37 (hg19) VCF-style: chr7-16131366-A-G.
Other names: c.1160T>C, p.Ile387Thr (NM_001101417.4); c.1205T>C, p.Ile402Thr (NM_001368197.1); short protein forms I402T, I387T, I437T.
Identifiers: ClinVar variation 2011050 (VCV002011050.4), dbSNP rs2546509934, ClinGen allele CA367000323.
Genomic context (GRCh38, chr7:16,091,741, plus strand): 5'-ATTTTTTGTGTTCTTCATGCTATCAGAAGCTGACCAATGAGTCCAGAATTTCTTTCCTTG[A>G]TTAATGAAGCAATAATGATAGCACCTTGCCTTAAACTCTCCTGTAGCTTCTGATCATCCT-3'
Protein context (NP_001094896.1, residues 427-447): RQGAIIIASL[Ile437Thr]KERNSGLIGQ

ClinVar aggregate classification (germline): Uncertain significance (1 of 4 stars; one submission).

Conditions:
Muscular dystrophy-dystroglycanopathy (congenital with brain and eye anomalies), type A, 7. Also called: WALKER-WARBURG SYNDROME OR MUSCLE-EYE-BRAIN DISEASE, ISPD-RELATED; Congenital muscular dystrophy-dystroglycanopathy with brain and eye anomalies, type A7. Identifiers: Orphanet 899, MedGen C3553330, MONDO:0013835, OMIM 614643.
Autosomal recessive limb-girdle muscular dystrophy type 2U. Also called: Muscular dystrophy-dystroglycanopathy (limb-girdle), type c, 7; MUSCULAR DYSTROPHY, LIMB-GIRDLE, TYPE 2U. Identifiers: Orphanet 352479, MedGen C5190987, MONDO:0014474, OMIM 616052.

Allele frequency attached by ClinVar (database versions not stated): gnomAD exomes below 0.00001.
gnomAD v4.1: 1 of 1,564,822 alleles (0.000064%); highest among the groups gnomAD compares: African/African-American, 0.0014%; no homozygotes.

Submission:

Labcorp Genetics (formerly Invitae), Labcorp
Classification: Uncertain significance for Muscular dystrophy-dystroglycanopathy (congenital with brain and eye anomalies), type A, 7; Autosomal recessive limb-girdle muscular dystrophy type 2U. Last evaluated: 2022-07-03. Review status: criteria provided, single submitter. Criteria: Invitae Variant Classification Sherloc (09022015). Collection method: clinical testing. Allele origin: germline.
Comment: This variant has not been reported in the literature in individuals affected with ISPD-related conditions. In summary, the available evidence is currently insufficient to determine the role of this variant in disease. Therefore, it has been classified as a Variant of Uncertain Significance. Algorithms developed to predict the effect of missense changes on protein structure and function are either unavailable or do not agree on the potential impact of this missense change (SIFT: "Deleterious"; PolyPhen-2: "Possibly Damaging"; Align-GVGD: "Class C0"). This variant is not present in population databases (gnomAD no frequency). This sequence change replaces isoleucine, which is neutral and non-polar, with threonine, which is neutral and polar, at codon 437 of the ISPD protein (p.Ile437Thr).